The following is an entry in ClinVar:

ClinVar aggregate classification (germline): Uncertain significance (1 of 4 stars; one submission).

Submission:

Labcorp Genetics (formerly Invitae), Labcorp
Classification: Uncertain significance. Last evaluated: 2020-01-16. Review status: criteria provided, single submitter. Criteria: Invitae Variant Classification Sherloc (09022015). Collection method: clinical testing. Allele origin: germline.
Comment: Algorithms developed to predict the effect of missense changes on protein structure and function are either unavailable or do not agree on the potential impact of this missense change (SIFT: "Deleterious"; PolyPhen-2: "Benign"; Align-GVGD: "Class C0"). This sequence change replaces leucine with proline at codon 1528 of the PCDH15 protein (p.Leu1528Pro). The leucine residue is highly conserved and there is a moderate physicochemical difference between leucine and proline. This variant is not present in population databases (ExAC no frequency). This variant has not been reported in the literature in individuals with PCDH15-related conditions. In summary, the available evidence is currently insufficient to determine the role of this variant in disease. Therefore, it has been classified as a Variant of Uncertain Significance.

NM_033056.4(PCDH15):c.4583T>C (p.Leu1528Pro)

Gene: PCDH15 (protocadherin related 15; minus strand). Cytogenetic location: 10q21.1.
Variant type: single nucleotide variant.
Coding change: c.4583T>C on transcript NM_033056.4 (MANE Plus Clinical); coding-DNA position 4583, T replaced by C.
Protein change: p.Leu1528Pro; replaces leucine 1528 with proline.
Molecular consequence: missense variant. On other transcripts: intron variant (8).
Genome position (GRCh38, 1-based): chr10:53,823,143, A>G on the plus strand (T>C on the coding strand, the complement: PCDH15 is on the minus strand). VCF-style: chr10-53823143-A-G. GRCh37 (hg19) VCF-style: chr10-55582903-A-G.
Other names: c.4604T>C, p.Leu1535Pro (NM_001142763.2); c.4589T>C, p.Leu1530Pro (NM_001142764.2); c.4376T>C, p.Leu1459Pro (NM_001142765.2); c.4574T>C, p.Leu1525Pro (NM_001142766.2); c.4463T>C, p.Leu1488Pro (NM_001142767.2); c.4523T>C, p.Leu1508Pro (NM_001142768.2); c.4514T>C, p.Leu1505Pro (NM_001142773.2); c.4517T>C, p.Leu1506Pro (NM_001354404.2); and 6 more; short protein forms L1459P, L1488P, L1505P, L1506P, L1508P, L1525P, L1528P, L1530P.
Identifiers: ClinVar variation 1056715 (VCV001056715.9), dbSNP rs2132508490, ClinGen allele CA376527015.